The following is an entry in ClinVar:

ClinVar aggregate classification (germline): Uncertain significance (1 of 4 stars; one submission).

Conditions:
Cardiovascular phenotype. Identifiers: MedGen CN230736.

gnomAD v4.1: 48 of 1,540,768 alleles (0.0031%); highest among the groups gnomAD compares: Non-Finnish European, 0.0038%; no homozygotes.

Submission:

Ambry Genetics
Classification: Uncertain significance for Cardiovascular phenotype. Last evaluated: 2025-02-06. Review status: criteria provided, single submitter. Criteria: Ambry Variant Classification Scheme 2023. Collection method: clinical testing. Allele origin: germline.
Comment: The p.A3085D variant (also known as c.9254C>A), located in coding exon 2 of the ZNF469 gene, results from a C to A substitution at nucleotide position 9254. The alanine at codon 3085 is replaced by aspartic acid, an amino acid with dissimilar properties. This amino acid position is conserved. In addition, this alteration is predicted to be tolerated by in silico analysis. Since supporting evidence is limited at this time, the clinical significance of this alteration remains unclear.

NM_001367624.2(ZNF469):c.9338C>A (p.Ala3113Asp)

Gene: ZNF469 (zinc finger protein 469; plus strand). Cytogenetic location: 16q24.2.
Variant type: single nucleotide variant.
Coding change: c.9338C>A on transcript NM_001367624.2 (MANE Select); coding-DNA position 9338, C replaced by A.
Protein change: p.Ala3113Asp; replaces alanine 3113 with aspartic acid.
Molecular consequence: missense variant.
Genome position (GRCh38, 1-based): chr16:88,436,808, C>A. VCF-style: chr16-88436808-C-A. GRCh37 (hg19) VCF-style: chr16-88503216-C-A.
Other names: NM_001127464.1:c.9254C>A; short protein forms A3113D.
Identifiers: ClinVar variation 2282874 (VCV002282874.3), dbSNP rs1162224297, ClinGen allele CA397121894.